The following is an entry in ClinVar:

NM_004320.6(ATP2A1):c.448A>G (p.Ile150Val)

Gene: ATP2A1 (ATPase sarcoplasmic/endoplasmic reticulum Ca2+ transporting 1; plus strand). Cytogenetic location: 16p11.2.
Variant type: single nucleotide variant.
Coding change: c.448A>G on transcript NM_004320.6 (MANE Select); coding-DNA position 448, A replaced by G.
Protein change: p.Ile150Val; replaces isoleucine 150 with valine.
Molecular consequence: missense variant.
Genome position (GRCh38, 1-based): chr16:28,882,574, A>G. VCF-style: chr16-28882574-A-G. GRCh37 (hg19) VCF-style: chr16-28893895-A-G.
Other names: c.73A>G, p.Ile25Val (NM_001286075.2); c.448A>G, p.Ile150Val (NM_173201.5); short protein forms I25V, I150V.
Identifiers: ClinVar variation 938332 (VCV000938332.10), dbSNP rs1278316076, ClinGen allele CA395401289.

ClinVar aggregate classification (germline): Uncertain significance (1 of 4 stars; one submission).

Conditions:
Brody myopathy. Also called: BRODY DISEASE. Identifiers: Orphanet 53347, MedGen C1832918, MONDO:0010977, OMIM 601003.

Allele frequency attached by ClinVar (database versions not stated): gnomAD exomes below 0.00001; TOPMed below 0.00001; gnomAD 0.00001.
gnomAD v4.1: 6 of 1,614,086 alleles (0.00037%); highest among the groups gnomAD compares: Non-Finnish European, 0.00034%; no homozygotes.

Submission:

Labcorp Genetics (formerly Invitae), Labcorp
Classification: Uncertain significance for Brody myopathy. Last evaluated: 2022-09-06. Review status: criteria provided, single submitter. Criteria: Invitae Variant Classification Sherloc (09022015). Collection method: clinical testing. Allele origin: germline.
Comment: In summary, the available evidence is currently insufficient to determine the role of this variant in disease. Therefore, it has been classified as a Variant of Uncertain Significance. Algorithms developed to predict the effect of missense changes on protein structure and function (SIFT, PolyPhen-2, Align-GVGD) all suggest that this variant is likely to be tolerated. ClinVar contains an entry for this variant (Variation ID: 938332). This variant has not been reported in the literature in individuals affected with ATP2A1-related conditions. This variant is present in population databases (no rsID available, gnomAD no frequency). This sequence change replaces isoleucine, which is neutral and non-polar, with valine, which is neutral and non-polar, at codon 150 of the ATP2A1 protein (p.Ile150Val).